The following is an entry in ClinVar:

ClinVar aggregate classification (germline): Uncertain significance. Review status: criteria provided, multiple submitters, no conflicts (2 of 4 stars). 2 submissions from 2 submitters: Uncertain significance (2). Last evaluated 2026-01-18.

Conditions:
Inborn genetic diseases. Identifiers: MedGen C0950123, MeSH D030342.

Allele frequency attached by ClinVar (database versions not stated): gnomAD exomes 0.00001 and 0.00003; ExAC 0.00003; gnomAD 0.00003; TOPMed 0.00008; 1000 Genomes Project 30x 0.00016; 1000 Genomes Project 0.00020.

Submissions (2):

Labcorp Genetics (formerly Invitae), Labcorp
Classification: Uncertain significance. Last evaluated: 2026-01-18. Review status: criteria provided, single submitter. Criteria: Invitae Variant Classification Sherloc (09022015). Collection method: clinical testing. Allele origin: germline.
Comment: This sequence change replaces alanine, which is neutral and non-polar, with valine, which is neutral and non-polar, at codon 417 of the LEMD3 protein (p.Ala417Val). This variant is present in population databases (rs199605857, gnomAD 0.01%). This variant has not been reported in the literature in individuals affected with LEMD3-related conditions. ClinVar contains an entry for this variant (Variation ID: 1491233). Invitae Evidence Modeling of protein sequence and biophysical properties (such as structural, functional, and spatial information, amino acid conservation, physicochemical variation, residue mobility, and thermodynamic stability) indicates that this missense variant is not expected to disrupt LEMD3 protein function with a negative predictive value of 80%. In summary, the available evidence is currently insufficient to determine the role of this variant in disease. Therefore, it has been classified as a Variant of Uncertain Significance.

Ambry Genetics
Classification: Uncertain significance for Inborn genetic diseases. Last evaluated: 2024-11-08. Review status: criteria provided, single submitter. Criteria: Ambry Variant Classification Scheme 2023. Collection method: clinical testing. Allele origin: germline.

NM_014319.5(LEMD3):c.1250C>T (p.Ala417Val)

Gene: LEMD3 (LEM domain containing 3; plus strand). Cytogenetic location: 12q14.3.
Variant type: single nucleotide variant.
Coding change: c.1250C>T on transcript NM_014319.5 (MANE Select); coding-DNA position 1250, C replaced by T.
Protein change: p.Ala417Val; replaces alanine 417 with valine.
Molecular consequence: missense variant.
Genome position (GRCh38, 1-based): chr12:65,170,846, C>T. VCF-style: chr12-65170846-C-T. GRCh37 (hg19) VCF-style: chr12-65564626-C-T.
Other names: c.1250C>T, p.Ala417Val (NM_001167614.2); c.1250C>T (NM_014319.4); short protein forms A417V.
Identifiers: ClinVar variation 1491233 (VCV001491233.7), dbSNP rs199605857, ClinGen allele CA6670876.